The following is an entry in ClinVar:

ClinVar aggregate classification (germline): Benign/Likely benign. Review status: criteria provided, multiple submitters, no conflicts (2 of 4 stars). 8 submissions from 8 submitters: Benign (6); Likely benign (2). Last evaluated 2026-02-03.

Conditions:
Aldosterone-producing adenoma with seizures and neurological abnormalities. Also called: Primary aldosteronism, seizures, and neurologic abnormalities. Identifiers: Orphanet 369929, MedGen C3809609, MONDO:0014200, OMIM 615474.
Sinoatrial node dysfunction and deafness (SANDD). Identifiers: Orphanet 324321, MedGen C3554018, MONDO:0013960, OMIM 614896.

Allele frequency attached by ClinVar (database versions not stated): gnomAD exomes 0.00038 and 0.00126; ExAC 0.00160; gnomAD 0.00474 and 0.00496; TOPMed 0.00533; ESP Exome Variant Server 0.00592; 1000 Genomes Project 0.00619; 1000 Genomes Project 30x 0.00625.
gnomAD v4.1: 1,304 of 1,614,186 alleles (0.081%); highest among the groups gnomAD compares: African/African-American, 1.5%; 9 homozygotes.

Submissions (8):

Labcorp Genetics (formerly Invitae), Labcorp
Classification: Benign. Last evaluated: 2026-02-03. Review status: criteria provided, single submitter. Criteria: Invitae Variant Classification Sherloc (09022015). Collection method: clinical testing. Allele origin: germline.

Blueprint Genetics
Classification: Likely benign. Last evaluated: 2024-08-06. Review status: criteria provided, single submitter. Criteria: ACMG Guidelines, 2015. Collection method: clinical testing. Allele origin: germline.

KCCC/NGS Laboratory, Kuwait Cancer Control Center
Classification: Benign for Aldosterone-producing adenoma with seizures and neurological abnormalities. Last evaluated: 2023-07-07. Review status: criteria provided, single submitter. Criteria: ACMG Guidelines, 2015. Collection method: clinical testing. Allele origin: germline. Affected: yes.

Fulgent Genetics
Classification: Likely benign for Sinoatrial node dysfunction and deafness; Aldosterone-producing adenoma with seizures and neurological abnormalities. Last evaluated: 2022-02-03. Review status: criteria provided, single submitter. Criteria: ACMG Guidelines, 2015. Collection method: clinical testing. Allele origin: unknown.

GeneDx
Classification: Benign. Last evaluated: 2019-10-30. Review status: criteria provided, single submitter. Criteria: GeneDx Variant Classification Process June 2021. Collection method: clinical testing. Allele origin: germline. Affected: yes.

Genetic Services Laboratory, University of Chicago
Classification: Benign. Last evaluated: 2019-07-03. Review status: criteria provided, single submitter. Criteria: ACMG Guidelines, 2015. Collection method: clinical testing. Allele origin: germline. Affected: no.

Laboratory for Molecular Medicine, Mass General Brigham Personalized Medicine
Classification: Benign. Last evaluated: 2014-11-24. Review status: criteria provided, single submitter. Criteria: LMM Criteria. Collection method: clinical testing. Allele origin: germline. Observed: 5 variant alleles.
Comment: Tyr88Tyr in exon 2 of CACNA1D: This variant is not expected to have clinical sig nificance because it does not alter an amino acid residue and is not located wit hin the splice consensus sequence. It has been identified in 1.7% (76/4406) of A frican American chromosomes from a broad population by the NHLBI Exome Sequencin g Project (dbSNP rs28365112).

Breakthrough Genomics
Classification: Benign. Review status: criteria provided, single submitter. Criteria: ACMG Guidelines, 2015. Collection method: not provided. Allele origin: germline. Inheritance: Autosomal recessive inheritance. Affected: yes.

NM_001128840.3(CACNA1D):c.264C>T (p.Tyr88=)

Gene: CACNA1D (calcium voltage-gated channel subunit alpha1 D; plus strand). Cytogenetic location: 3p21.1.
Variant type: single nucleotide variant.
Coding change: c.264C>T on transcript NM_001128840.3 (MANE Select); coding-DNA position 264, C replaced by T.
Protein change: p.Tyr88=; no amino-acid change (tyrosine 88 retained).
Molecular consequence: synonymous variant.
Genome position (GRCh38, 1-based): chr3:53,497,348, C>T. VCF-style: chr3-53497348-C-T. GRCh37 (hg19) VCF-style: chr3-53531375-C-T.
Other names: c.264C>T, p.Tyr88= (NM_000720.4, NM_001128839.3).
Identifiers: ClinVar variation 226469 (VCV000226469.23), dbSNP rs28365112, ClinGen allele CA2453649.
Genomic context (GRCh38, chr3:53,497,348, plus strand): 5'-TATGAGCACCTCTGCACCCCCACCTGTAGGATCTCTCTCCCAAAGAAAACGTCAGCAATA[C>T]GCCAAGAGCAAAAAACAGGGTAACTCGTCCAACAGCCGACCTGCCCGCGCCCTTTTCTGT-3'
Protein context (NP_001122312.1, residues 78-98): GSLSQRKRQQ[Tyr88=]AKSKKQGNSS